The following is an entry in ClinVar:

ClinVar aggregate classification (germline): Likely benign (0 of 4 stars; one submission).

Conditions:
MYRF-related disorder. Also called: MYRF-related condition; MYRF-related disorders.

gnomAD v4.1: 44 of 1,609,900 alleles (0.0027%); highest among the groups gnomAD compares: African/African-American, 0.053%; no homozygotes.

Submission:

PreventionGenetics, part of Exact Sciences
Classification: Likely benign for MYRF-related condition. Last evaluated: 2020-12-26. Review status: no assertion criteria provided. Collection method: clinical testing. Allele origin: germline.
Comment: This variant is classified as likely benign based on ACMG/AMP sequence variant interpretation guidelines (Richards et al. 2015 PMID: 25741868, with internal and published modifications).

NM_001127392.3(MYRF):c.46+2627G>C

Genes: MYRF (myelin regulatory factor; plus strand), MYRF-AS1 (MYRF antisense RNA 1; minus strand). Cytogenetic location: 11q12.2.
Variant type: single nucleotide variant.
Coding change: c.46+2627G>C on transcript NM_001127392.3 (MANE Select); 2627 bases into the intron after coding-DNA position 46, G replaced by C.
Molecular consequence: intron variant. On other transcripts: 5 prime UTR variant (1).
Genome position (GRCh38, 1-based): chr11:61,755,417, G>C. VCF-style: chr11-61755417-G-C. GRCh37 (hg19) VCF-style: chr11-61522889-G-C.
Other names: c.-7G>C (NM_013279.4).
Identifiers: ClinVar variation 3035971 (VCV003035971.2), dbSNP rs756283532, ClinGen allele CA222915078.